The following is an entry in ClinVar:

ClinVar aggregate classification (germline): Uncertain significance (1 of 4 stars; one submission).

Conditions:
Infantile-onset ascending hereditary spastic paralysis (IAHSP). Also called: Autosomal Recessive Juvenile Amyotrophic Lateral Sclerosis; Infantile-Onset Ascending Hereditary Spastic Paralysis (IAHSP). Identifiers: Orphanet 293168, MedGen C2931441, MONDO:0011797, OMIM 607225. Disease mechanism: loss of function.

Allele frequency attached by ClinVar (database versions not stated): ExAC 0.00002; TOPMed 0.00002; gnomAD 0.00003; ESP Exome Variant Server 0.00016.
gnomAD v4.1: 5 of 1,614,140 alleles (0.00031%); highest among the groups gnomAD compares: African/African-American, 0.0067%; no homozygotes.

Submission:

Labcorp Genetics (formerly Invitae), Labcorp
Classification: Uncertain significance for Infantile-onset ascending hereditary spastic paralysis. Last evaluated: 2022-06-28. Review status: criteria provided, single submitter. Criteria: Invitae Variant Classification Sherloc (09022015). Collection method: clinical testing. Allele origin: germline.
Comment: This sequence change replaces leucine, which is neutral and non-polar, with proline, which is neutral and non-polar, at codon 294 of the ALS2 protein (p.Leu294Pro). This variant is present in population databases (rs374550633, gnomAD 0.01%). This variant has not been reported in the literature in individuals affected with ALS2-related conditions. Algorithms developed to predict the effect of missense changes on protein structure and function output the following: SIFT: "Tolerated"; PolyPhen-2: "Benign"; Align-GVGD: "Class C0". The proline amino acid residue is found in multiple mammalian species, which suggests that this missense change does not adversely affect protein function. In summary, the available evidence is currently insufficient to determine the role of this variant in disease. Therefore, it has been classified as a Variant of Uncertain Significance.

NM_020919.4(ALS2):c.881T>C (p.Leu294Pro)

Gene: ALS2 (alsin Rho guanine nucleotide exchange factor ALS2; minus strand). Cytogenetic location: 2q33.1.
Variant type: single nucleotide variant.
Coding change: c.881T>C on transcript NM_020919.4 (MANE Select); coding-DNA position 881, T replaced by C.
Protein change: p.Leu294Pro; replaces leucine 294 with proline.
Molecular consequence: missense variant.
Genome position (GRCh38, 1-based): chr2:201,761,113, A>G on the plus strand (T>C on the coding strand, the complement: ALS2 is on the minus strand). VCF-style: chr2-201761113-A-G. GRCh37 (hg19) VCF-style: chr2-202625836-A-G.
Other names: c.881T>C, p.Leu294Pro (NM_001135745.2, NM_001410975.1); short protein forms L294P.
Identifiers: ClinVar variation 2038847 (VCV002038847.4), dbSNP rs374550633, ClinGen allele CA2058582.